The following is an entry in ClinVar:

NM_006766.5(KAT6A):c.1551T>G (p.Tyr517Ter)

Gene: KAT6A (lysine acetyltransferase 6A; minus strand). Cytogenetic location: 8p11.21.
Variant type: single nucleotide variant.
Coding change: c.1551T>G on transcript NM_006766.5 (MANE Select); coding-DNA position 1551, T replaced by G.
Protein change: p.Tyr517Ter; replaces tyrosine 517 with a stop codon.
Molecular consequence: nonsense.
Genome position (GRCh38, 1-based): chr8:41,955,343, A>C on the plus strand (T>G on the coding strand, the complement: KAT6A is on the minus strand). VCF-style: chr8-41955343-A-C. GRCh37 (hg19) VCF-style: chr8-41812861-A-C.
Other names: c.1551T>G, p.Tyr517Ter (NM_001305878.2); short protein forms Y517*.
Identifiers: ClinVar variation 4532100 (VCV004532100.1).

ClinVar aggregate classification (germline): Pathogenic (1 of 4 stars; one submission).

Conditions:
Autosomal dominant intellectual disability-craniofacial anomalies-cardiac defects syndrome (ARTHS). Also called: KAT6A syndrome; Mental retardation, autosomal dominant 32; Arboleda-Tham syndrome. Identifiers: Orphanet 457193, MedGen C4225396, MONDO:0014558, OMIM 616268.

Submission:

Victorian Clinical Genetics Services, Murdoch Childrens Research Institute
Classification: Pathogenic for Autosomal dominant intellectual disability-craniofacial anomalies-cardiac defects syndrome. Last evaluated: 2025-09-15. Review status: criteria provided, single submitter. Criteria: ACMG Guidelines, 2015. Collection method: clinical testing. Allele origin: germline. Affected: yes.
Comment: This variant is classified as Pathogenic. Evidence in support of pathogenic classification: Variant is predicted to cause nonsense-mediated decay (NMD) and loss of protein (premature termination codon is located at least 54 nucleotides upstream of the final exon-exon junction); Variant is absent from gnomAD (v2, v3 and v4); Other NMD-predicted variants comparable to the one identified in this case have very strong previous evidence for pathogenicity (DECIPHER); Additional information: This variant is heterozygous; This gene is associated with autosomal dominant disease; This variant has no previous evidence of pathogenicity; No published evidence of segregation with disease has been identified for this variant; No published functional evidence has been identified for this variant; Loss of function is a known mechanism of disease in this gene and is associated with Arboleda-Tham syndrome (MIM#616268).